The following is an entry in ClinVar:

NM_033305.3(VPS13A):c.8055del (p.Asp2685fs)

Gene: VPS13A (vacuolar protein sorting 13 homolog A; plus strand). Cytogenetic location: 9q21.2.
Variant type: Deletion.
Coding change: c.8055del on transcript NM_033305.3 (MANE Select); coding-DNA position 8055, one base deleted (T; older notation c.8055delT).
Protein change: p.Asp2685fs; shifts the reading frame from aspartic acid 2685.
Molecular consequence: frameshift variant.
Genome position (GRCh38, 1-based): chr9:77,359,352, T deleted. VCF-style (leftmost placement, unchanged base first): chr9-77359351-AT-A. GRCh37 (hg19) VCF-style: chr9-79974267-AT-A.
Other names: c.7938del, p.Asp2646fs (NM_001018037.2); c.8055del, p.Asp2685fs (NM_001018038.3, NM_015186.4); short protein forms D2646fs, D2685fs.
Identifiers: ClinVar variation 5012622 (VCV005012622.1).

ClinVar aggregate classification (germline): Pathogenic (1 of 4 stars; one submission).

Conditions:
VPS13A-related neurodegenerative disease. Also called: ACANTHOCYTOSIS WITH NEUROLOGIC DISORDER; LEVINE-CRITCHLEY SYNDROME; Choreoacanthocytosis; Chorea-acanthocytosis; Choreaacanthocytosis; VPS13A Disease. Identifiers: Orphanet 2388, MedGen C0393576, MONDO:0008695, OMIM 200150.

Submission:

Myriad Genetics, Inc.
Classification: Pathogenic for VPS13A-related neurodegenerative disease. Last evaluated: 2023-12-31. Review status: criteria provided, single submitter. Criteria: Myriad Autosomal Dominant, Autosomal Recessive and X-Linked Classification Criteria (2023). Collection method: clinical testing. Allele origin: unknown.
Comment: NM_033305.2(VPS13A):c.8055delT(D2685Efs*6) is expected to be pathogenic in the context of VPS13A disease. This variant is predicted to lead to an abnormal or absent protein product due to the creation of a premature termination codon in VPS13A, a gene where loss-of-function variants are known to be pathogenic. Please note: this variant was assessed in the context of healthy population screening.